The following is an entry in ClinVar:

ClinVar aggregate classification (germline): Uncertain significance (1 of 4 stars; one submission).

Allele frequency attached by ClinVar (database versions not stated): gnomAD exomes 0.00001; TOPMed 0.00001; ExAC 0.00002.
gnomAD v4.1: 20 of 1,607,660 alleles (0.0012%); highest among the groups gnomAD compares: South Asian, 0.0055%; no homozygotes.

Submission:

Labcorp Genetics (formerly Invitae), Labcorp
Classification: Uncertain significance. Last evaluated: 2023-11-13. Review status: criteria provided, single submitter. Criteria: Invitae Variant Classification Sherloc (09022015). Collection method: clinical testing. Allele origin: germline.
Comment: This sequence change replaces arginine, which is basic and polar, with glutamine, which is neutral and polar, at codon 15 of the MYO18B protein (p.Arg15Gln). This variant is present in population databases (rs765079477, gnomAD 0.003%). This variant has not been reported in the literature in individuals affected with MYO18B-related conditions. ClinVar contains an entry for this variant (Variation ID: 1416588). An algorithm developed to predict the effect of missense changes on protein structure and function (PolyPhen-2) suggests that this variant is likely to be disruptive. In summary, the available evidence is currently insufficient to determine the role of this variant in disease. Therefore, it has been classified as a Variant of Uncertain Significance.

NM_032608.7(MYO18B):c.44G>A (p.Arg15Gln)

Gene: MYO18B (myosin XVIIIB; plus strand). Cytogenetic location: 22q12.1.
Variant type: single nucleotide variant.
Coding change: c.44G>A on transcript NM_032608.7 (MANE Select); coding-DNA position 44, G replaced by A.
Protein change: p.Arg15Gln; replaces arginine 15 with glutamine.
Molecular consequence: missense variant.
Genome position (GRCh38, 1-based): chr22:25,763,235, G>A. VCF-style: chr22-25763235-G-A. GRCh37 (hg19) VCF-style: chr22-26159202-G-A.
Other names: c.44G>A, p.Arg15Gln (NM_001318245.2); short protein forms R15Q.
Identifiers: ClinVar variation 1416588 (VCV001416588.5), dbSNP rs765079477, ClinGen allele CA10159481.